The following is an entry in ClinVar:

ClinVar aggregate classification (germline): Uncertain significance (1 of 4 stars; one submission).

Allele frequency attached by ClinVar (database versions not stated): gnomAD exomes below 0.00001.

Submission:

Labcorp Genetics (formerly Invitae), Labcorp
Classification: Uncertain significance. Last evaluated: 2022-05-09. Review status: criteria provided, single submitter. Criteria: Invitae Variant Classification Sherloc (09022015). Collection method: clinical testing. Allele origin: germline.
Comment: This sequence change replaces lysine, which is basic and polar, with arginine, which is basic and polar, at codon 53 of the NDUFB8 protein (p.Lys53Arg). In summary, the available evidence is currently insufficient to determine the role of this variant in disease. Therefore, it has been classified as a Variant of Uncertain Significance. Algorithms developed to predict the effect of missense changes on protein structure and function are either unavailable or do not agree on the potential impact of this missense change (SIFT: "Deleterious"; PolyPhen-2: "Possibly Damaging"; Align-GVGD: "Class C0"). This variant has not been reported in the literature in individuals affected with NDUFB8-related conditions. This variant is not present in population databases (gnomAD no frequency).

NM_005004.4(NDUFB8):c.158A>G (p.Lys53Arg)

Gene: NDUFB8 (NADH:ubiquinone oxidoreductase subunit B8; minus strand). Cytogenetic location: 10q24.31.
Variant type: single nucleotide variant.
Coding change: c.158A>G on transcript NM_005004.4 (MANE Select); coding-DNA position 158, A replaced by G.
Protein change: p.Lys53Arg; replaces lysine 53 with arginine.
Molecular consequence: missense variant.
Genome position (GRCh38, 1-based): chr10:100,529,434, T>C on the plus strand (A>G on the coding strand, the complement: NDUFB8 is on the minus strand). VCF-style: chr10-100529434-T-C. GRCh37 (hg19) VCF-style: chr10-102289191-T-C.
Other names: c.158A>G, p.Lys53Arg (NM_001284367.2); c.65A>G, p.Lys22Arg (NM_001284368.1); short protein forms K53R, K22R.
Identifiers: ClinVar variation 2135385 (VCV002135385.4), dbSNP rs2492931011, ClinGen allele CA378176926.